The following is an entry in ClinVar:

ClinVar aggregate classification (germline): Conflicting classifications of pathogenicity. Review status: criteria provided, conflicting classifications (1 of 4 stars). 3 submissions from 3 submitters: Likely pathogenic (1); Uncertain significance (2). Last evaluated 2025-10-16.

Conditions:
Primary dilated cardiomyopathy (DCM). Also called: Dilated Cardiomyopathy. Identifiers: Orphanet 217604, MedGen C0007193, MeSH D002311, MONDO:0005021, HP:0001644. Inheritance: Various modes of inheritance.
Cardiovascular phenotype. Identifiers: MedGen CN230736.
Dilated cardiomyopathy 1W (CMD1W). Identifiers: Orphanet 154, MedGen C1969639, MONDO:0012667, OMIM 611407.

Allele frequency attached by ClinVar (database versions not stated): gnomAD 0.00001; ExAC 0.00002; gnomAD exomes 0.00002 and 0.00004; ESP Exome Variant Server 0.00008.

Submissions (3):

Ambry Genetics
Classification: Uncertain significance for Cardiovascular phenotype. Last evaluated: 2025-10-16. Review status: criteria provided, single submitter. Criteria: Ambry Variant Classification Scheme 2023. Collection method: clinical testing. Allele origin: germline.
Comment: The c.1713delA variant, located in coding exon 12 of the VCL gene, results from a deletion of one nucleotide at nucleotide position 1713, causing a translational frameshift with a predicted alternate stop codon (p.A573Hfs*8). This variant was reported in individual(s) with dilated cardiomyopathy (DCM) and atherosclerosis (Johnston JJ et al. Am J Hum Genet, 2015 Jun;96:913-25; Hawley MH et al. Hum Mutat, 2020 Sep;41:1577-1587). This alteration is expected to result in protein truncation or nonsense-mediated mRNA decay. However, loss of function has not been established as a mechanism of disease. Based on the available evidence, the clinical significance of this alteration remains unclear.

Labcorp Genetics (formerly Invitae), Labcorp
Classification: Uncertain significance for Dilated cardiomyopathy 1W. Last evaluated: 2025-06-01. Review status: criteria provided, single submitter. Criteria: Invitae Variant Classification Sherloc (09022015). Collection method: clinical testing. Allele origin: germline.
Comment: This sequence change creates a premature translational stop signal (p.Ala573Hisfs*8) in the VCL gene. It is expected to result in an absent or disrupted protein product. However, the current clinical and genetic evidence is not sufficient to establish whether loss-of-function variants in VCL cause disease. This variant is present in population databases (rs779488376, gnomAD 0.07%). This premature translational stop signal has been observed in individual(s) with clinical features of VCL-related conditions (PMID: 32516855). ClinVar contains an entry for this variant (Variation ID: 468811). In summary, the available evidence is currently insufficient to determine the role of this variant in disease. Therefore, it has been classified as a Variant of Uncertain Significance.

Laboratory for Molecular Medicine, Mass General Brigham Personalized Medicine
Classification: Likely pathogenic for Primary dilated cardiomyopathy. Last evaluated: 2016-04-10. Review status: criteria provided, single submitter. Criteria: LMM Criteria. Collection method: clinical testing. Allele origin: germline. Inheritance: Autosomal dominant inheritance. Observed: 2 variant alleles.
Comment: The p.Ala573HisfsX8 variant in VCL has not been previously reported in individua ls with cardiomyopathy though it was identified in 3/121052 of chromosomes by th e Exome Aggregation Consortium (ExAC). This vari ant is predicted to cause a frameshift, which alters the protein?s amino acid se quence beginning at position 573 and leads to a premature termination codon 8 am ino acids downstream. This alteration is then predicted to lead to a truncated o r absent protein. Current evidence suggests that loss of function of the VCL gen e is associated with dilated cardiomyopathy (DCM). This understanding is based u pon approximately 10 patients with infantile- or childhood- onset DCM that were identified with loss-of-function variants in VCL that also segregated with disea se in five additional family members (LMM, unpublished data). Mouse models have also shown that loss of function of the VCL gene leads to cardiac dysfunction, i ncluding dilated cardiomyopathy (DCM) (Zemljic-Harpf 2007). In summary, although additional studies are required to fully establish its clinical significance, t he p.Ala573HisfsX8 variant is likely pathogenic for dilated cardiomyopathy in an autosomal dominant manner. Data from six families tested in our laboratory sugg est over 50% penetrance of the disease in individuals with a loss-of-function va riant.

Literature cited by the submitters: PubMed 26046366 (cited by Ambry Genetics); PubMed 32516855 (cited by Ambry Genetics and Labcorp Genetics (formerly Invitae), Labcorp); PubMed 17785437 (cited by Laboratory for Molecular Medicine, Mass General Brigham Personalized Medicine).

NM_014000.3(VCL):c.1713del (p.Ala573fs)

Gene: VCL (vinculin; plus strand). Cytogenetic location: 10q22.2.
Variant type: Deletion.
Coding change: c.1713del on transcript NM_014000.3 (MANE Select); coding-DNA position 1713, one base deleted (A; older notation c.1713delA).
Protein change: p.Ala573fs; shifts the reading frame from alanine 573.
Molecular consequence: frameshift variant.
Genome position (GRCh38, 1-based): chr10:74,095,825, A deleted. VCF-style (leftmost placement, unchanged base first): chr10-74095824-CA-C. GRCh37 (hg19) VCF-style: chr10-75855582-CA-C.
Other names: c.1713delA (NM_014000.2); c.1713del, p.Ala573fs (NM_003373.4); short protein forms A573fs.
Identifiers: ClinVar variation 468811 (VCV000468811.12), dbSNP rs779488376, ClinGen allele CA5563056.